The following is an entry in ClinVar:

ClinVar aggregate classification (germline): Uncertain significance. Review status: criteria provided, multiple submitters, no conflicts (2 of 4 stars). 2 submissions from 2 submitters: Uncertain significance (2). Last evaluated 2025-06-07.

Conditions:
Inborn genetic diseases. Identifiers: MedGen C0950123, MeSH D030342.

Submissions (2):

Ambry Genetics
Classification: Uncertain significance for Inborn genetic diseases. Last evaluated: 2025-06-07. Review status: criteria provided, single submitter. Criteria: Ambry Variant Classification Scheme 2023. Collection method: clinical testing. Allele origin: germline.

Labcorp Genetics (formerly Invitae), Labcorp
Classification: Uncertain significance. Last evaluated: 2024-09-04. Review status: criteria provided, single submitter. Criteria: Invitae Variant Classification Sherloc (09022015). Collection method: clinical testing. Allele origin: germline.
Comment: This sequence change replaces threonine, which is neutral and polar, with serine, which is neutral and polar, at codon 271 of the DDX58 protein (p.Thr271Ser). This variant is not present in population databases (gnomAD no frequency). This variant has not been reported in the literature in individuals affected with DDX58-related conditions. Invitae Evidence Modeling of protein sequence and biophysical properties (such as structural, functional, and spatial information, amino acid conservation, physicochemical variation, residue mobility, and thermodynamic stability) indicates that this missense variant is expected to disrupt DDX58 protein function with a positive predictive value of 80%. In summary, the available evidence is currently insufficient to determine the role of this variant in disease. Therefore, it has been classified as a Variant of Uncertain Significance.

NM_014314.4(RIGI):c.812C>G (p.Thr271Ser)

Gene: RIGI (RNA sensor RIG-I; minus strand). Cytogenetic location: 9p21.1.
Variant type: single nucleotide variant.
Coding change: c.812C>G on transcript NM_014314.4 (MANE Select); coding-DNA position 812, C replaced by G.
Protein change: p.Thr271Ser; replaces threonine 271 with serine.
Molecular consequence: missense variant.
Genome position (GRCh38, 1-based): chr9:32,488,875, G>C on the plus strand (C>G on the coding strand, the complement: RIGI is on the minus strand). VCF-style: chr9-32488875-G-C. GRCh37 (hg19) VCF-style: chr9-32488873-G-C.
Other names: c.812C>G (NM_014314.3); c.812C>G, p.Thr271Ser (NM_001385907.1, NM_001385909.1); c.371C>G, p.Thr124Ser (NM_001385910.1); c.203C>G, p.Thr68Ser (NM_001385912.1); c.797C>G, p.Thr266Ser (NM_001385913.1); c.368C>G, p.Thr123Ser (NM_001385914.1); short protein forms T123S, T271S, T68S, T266S, T124S.
Identifiers: ClinVar variation 3696449 (VCV003696449.3).